The following is an entry in ClinVar:

ClinVar aggregate classification (germline): Likely pathogenic (1 of 4 stars; one submission).

Conditions:
Perrault syndrome. Also called: Gonadal dysgenesis with auditory dysfunction, autosomal recessive inheritance. Identifiers: Orphanet 2855, MedGen C0685838, MONDO:0017312.
Bifunctional peroxisomal enzyme deficiency (DBIF). Also called: DBP DEFICIENCY; PBFE DEFICIENCY; D-bifunctional protein deficiency. Identifiers: Orphanet 300, MedGen C0342870, MONDO:0009855, OMIM 261515. Disease mechanism: loss of function.

Submission:

Labcorp Genetics (formerly Invitae), Labcorp
Classification: Likely pathogenic for Perrault syndrome; Bifunctional peroxisomal enzyme deficiency. Last evaluated: 2022-04-24. Review status: criteria provided, single submitter. Criteria: Invitae Variant Classification Sherloc (09022015). Collection method: clinical testing. Allele origin: germline.
Comment: Algorithms developed to predict the effect of sequence changes on RNA splicing suggest that this variant may disrupt the consensus splice site. In summary, the currently available evidence indicates that the variant is pathogenic, but additional data are needed to prove that conclusively. Therefore, this variant has been classified as Likely Pathogenic. This variant has not been reported in the literature in individuals affected with HSD17B4-related conditions. This variant is not present in population databases (gnomAD no frequency). This sequence change affects an acceptor splice site in intron 6 of the HSD17B4 gene. It is expected to disrupt RNA splicing. Variants that disrupt the donor or acceptor splice site typically lead to a loss of protein function (PMID: 16199547), and loss-of-function variants in HSD17B4 are known to be pathogenic (PMID: 11810648, 16385454).

Literature cited by the submitters: PubMed 16199547; PubMed 11810648; PubMed 16385454.

NM_000414.4(HSD17B4):c.350-1G>T

Gene: HSD17B4 (hydroxysteroid 17-beta dehydrogenase 4; plus strand). Cytogenetic location: 5q23.1.
Variant type: single nucleotide variant.
Coding change: c.350-1G>T on transcript NM_000414.4 (MANE Select); the canonical splice acceptor site of the intron before coding-DNA position 350, G replaced by T.
Molecular consequence: splice acceptor variant.
Genome position (GRCh38, 1-based): chr5:119,477,416, G>T. VCF-style: chr5-119477416-G-T. GRCh37 (hg19) VCF-style: chr5-118813111-G-T.
Other names: c.-62-1G>T (NM_001374503.1, NM_001374502.1, NM_001374501.1 and 1 more transcripts); c.425-1G>T (NM_001199291.3); c.23-1G>T (NM_001374499.1); c.-189-1G>T (NM_001374500.1); c.278-1G>T (NM_001292027.2); c.350-1G>T (NM_001374498.1, NM_001374497.1); c.296-1G>T (NM_001199292.2).
Identifiers: ClinVar variation 2130215 (VCV002130215.4), dbSNP rs2531619389, ClinGen allele CA360865037.
Genomic context (GRCh38, chr5:119,477,416, plus strand): 5'-TGATTCTTAGACATGCCTAAGTTTTTACAAAATATTTAATAAAAATAATTTATTGTTTTA[G>T]ATATAATCCACAGAGTTCATTTGCGGGGTTCATTCCAAGTGACACGGGCAGCATGGGAAC-3'